The following is an entry in ClinVar:

ClinVar aggregate classification (germline): Uncertain significance. Review status: criteria provided, single submitter (1 of 4 stars). 2 submissions from 2 submitters: Uncertain significance (1). 1 of the submissions does not count toward it. Last evaluated 2021-05-06.

Conditions:
Pyruvate dehydrogenase E1-alpha deficiency (PDHAD). Also called: ATAXIA, INTERMITTENT, WITH PYRUVATE DEHYDROGENASE DEFICIENCY; ATAXIA WITH LACTIC ACIDOSIS I; ATAXIA, INTERMITTENT, WITH ABNORMAL PYRUVATE METABOLISM; Ataxia, intermittent, with pyruvate dehydrogenase, or decarboxylase, deficiency. Identifiers: Orphanet 79243, MedGen C1839413, MONDO:0010717, OMIM 312170.

Submissions (2):

Victorian Clinical Genetics Services, Murdoch Childrens Research Institute
Classification: Uncertain significance for Pyruvate dehydrogenase E1-alpha deficiency. Last evaluated: 2021-05-06. Review status: criteria provided, single submitter. Criteria: ACMG Guidelines, 2015. Collection method: clinical testing. Allele origin: germline. Inheritance: X-linked dominant inheritance. Affected: yes.
Comment: Based on the classification scheme VCGS_Germline_v1.3.4, this variant is classified as VUS-3A. Following criteria are met: 0102 - Loss of function is a known mechanism of disease in this gene and is associated with pyruvate dehydrogenase E1-alpha deficiency, (MIM#312170). (I) 0110 - This gene is associated with X-linked dominant disease. (I) 0115 - Variants in this gene are known to have variable expressivity. Affected females heterozygous for pathogenic variants have broad phenotypic variability correlated with the pattern of X-chromosome inactivation (PMID: 31673819). (I) 0200 - Variant is predicted to result in a missense amino acid change from leucine to arginine. (I) 0251 - This variant is heterozygous. (I) 0301 - Variant is absent from gnomAD (both v2 and v3). (SP) 0501 - Missense variant consistently predicted to be damaging by multiple in silico tools or highly conserved with a major amino acid change. (SP) 0600 - Variant is located in the annotated pyruvate dehydrogenase E1 component domain (NCBI Conserved Domain). (I) 0705 - No comparable missense variants have previous evidence for pathogenicity. (I) 0807 - This variant has no previous evidence of pathogenicity. (I) 0905 - No published segregation evidence has been identified for this variant. (I) 1007 - No published functional evidence has been identified for this variant. (I) 1208 - Inheritance information for this variant is not currently available in this individual. (I) Legend: (SP) - Supporting pathogenic, (I) - Information, (SB) - Supporting benign

PDHA1 Study Group, University Children’s Hospital, Paracelsus Medical University
Classification: Likely pathogenic for Pyruvate dehydrogenase E1-alpha deficiency. Last evaluated: 2024-10-15. Review status: no assertion criteria provided. Collection method: research. Allele origin: germline. Affected: yes. Observed: 1 variant allele. Not counted in ClinVar's aggregate classification.
Comment: The NM_000284.3:c.1091T>G (p.Leu364Arg) substitution is a missense variant in PDHA1 gene. Last literature search: July 12, 2024. This variant is absent or extremely rare in population-based cohorts in the Genome Aggregation Database (gnomAD). Individuals harboring this variant presented with clinical features compatible with PDHA1-related PDHc deficiency. In summary, this variant meets criteria to be classified as likely pathogenic (LP) for PDHA1-related PDHc deficiency based on the ACMG/AMP criteria applied: PS1, PM2 (last assessment October 15, 2024).

Literature cited by the submitters: PubMed 31673819 (cited by Victorian Clinical Genetics Services, Murdoch Childrens Research Institute); DOI 10.1093/brain/awaf430 (cited by PDHA1 Study Group, University Children’s Hospital, Paracelsus Medical University).

NM_000284.4(PDHA1):c.1091T>G (p.Leu364Arg)

Gene: PDHA1 (pyruvate dehydrogenase E1 subunit alpha 1; plus strand). Cytogenetic location: Xp22.12.
Variant type: single nucleotide variant.
Coding change: c.1091T>G on transcript NM_000284.4 (MANE Select); coding-DNA position 1091, T replaced by G.
Protein change: p.Leu364Arg; replaces leucine 364 with arginine.
Molecular consequence: missense variant.
Genome position (GRCh38, 1-based): chrX:19,359,571, T>G. VCF-style: chrX-19359571-T-G. GRCh37 (hg19) VCF-style: chrX-19377689-T-G.
Other names: c.1205T>G, p.Leu402Arg (NM_001173454.2); c.1112T>G, p.Leu371Arg (NM_001173455.2); c.998T>G, p.Leu333Arg (NM_001173456.2); short protein forms L333R, L364R, L371R, L402R.
Identifiers: ClinVar variation 1806207 (VCV001806207.2), dbSNP rs2518507804, ClinGen allele CA412396809.